The following is an entry in ClinVar:

NM_000088.4(COL1A1):c.1583G>A (p.Arg528His)

Gene: COL1A1 (collagen type I alpha 1 chain; minus strand). Cytogenetic location: 17q21.33.
Variant type: single nucleotide variant.
Coding change: c.1583G>A on transcript NM_000088.4 (MANE Select); coding-DNA position 1583, G replaced by A.
Protein change: p.Arg528His; replaces arginine 528 with histidine.
Molecular consequence: missense variant.
Genome position (GRCh38, 1-based): chr17:50,194,380, C>T on the plus strand (G>A on the coding strand, the complement: COL1A1 is on the minus strand). VCF-style: chr17-50194380-C-T. GRCh37 (hg19) VCF-style: chr17-48271741-C-T.
Other names: short protein forms R528H.
Identifiers: ClinVar variation 35902 (VCV000035902.57), dbSNP rs144751329, ClinGen allele CA260278.

ClinVar aggregate classification (germline): Conflicting classifications of pathogenicity. Review status: criteria provided, conflicting classifications (1 of 4 stars). 9 submissions from 9 submitters: Uncertain significance (3); Benign (2); Likely benign (4). Last evaluated 2025-12-18.

Conditions:
Cardiovascular phenotype. Identifiers: MedGen CN230736.
Osteogenesis imperfecta type I (OI1). Also called: Osteogenesis imperfecta type 1; OI, TYPE I; OSTEOGENESIS IMPERFECTA TARDA; OSTEOGENESIS IMPERFECTA WITH BLUE SCLERAE; Lobstein disease; Classic Non-deforming Osteogenesis Imperfecta with Blue Sclerae. Identifiers: Orphanet 216796, Orphanet 666, MedGen C0023931, MONDO:0008146, OMIM 166200. Disease mechanism: loss of function.

Allele frequency attached by ClinVar (database versions not stated): ESP Exome Variant Server 0.00008; ExAC 0.00010; gnomAD 0.00013; 1000 Genomes Project 0.00020; TOPMed 0.00021; 1000 Genomes Project 30x 0.00031.

Submissions (9):

Labcorp Genetics (formerly Invitae), Labcorp
Classification: Likely benign for Osteogenesis imperfecta type I. Last evaluated: 2025-12-18. Review status: criteria provided, single submitter. Criteria: Invitae Variant Classification Sherloc (09022015). Collection method: clinical testing. Allele origin: germline.

Mayo Clinic Laboratories, Mayo Clinic
Classification: Likely benign. Last evaluated: 2025-10-06. Review status: criteria provided, single submitter. Criteria: ACMG Guidelines, 2015. Collection method: clinical testing. Allele origin: germline. Observed: 2 variant alleles.
Comment: BS1, BP2, PP3

CeGaT Center for Human Genetics Tuebingen
Classification: Benign. Last evaluated: 2025-02-01. Review status: criteria provided, single submitter. Criteria: CeGaT Center For Human Genetics Tuebingen Variant Classification Criteria Version 2. Collection method: clinical testing. Allele origin: germline. Affected: yes. Observed: 3 variant alleles.
Comment: COL1A1: PP2, BS1, BS2

GeneDx
Classification: Uncertain significance. Last evaluated: 2024-04-19. Review status: criteria provided, single submitter. Criteria: GeneDx Variant Classification Process June 2021. Collection method: clinical testing. Allele origin: germline. Affected: yes.
Comment: Reported in a proband with transposition of the great arteries, a ventricular septal defect, and pulmonary stenosis (PMID: 28991257); although a second COL1A1 variant was identified in trans, which is classified as likely benign at GeneDx; In silico analysis supports that this missense variant has a deleterious effect on protein structure/function; Occurs in the triple helical domain at the X position in the canonical Gly-X-Y repeat; although this variant may have an effect on normal protein folding and function, missense substitution at the X position is not a common mechanism of disease (HGMD); This variant is associated with the following publications: (PMID: 32123938, 36995002, 33195954, 28991257)

Women's Health and Genetics/Laboratory Corporation of America, LabCorp
Classification: Likely benign. Last evaluated: 2023-07-27. Review status: criteria provided, single submitter. Criteria: LabCorp Variant Classification Summary - May 2015. Collection method: clinical testing. Allele origin: germline.
Comment: Variant summary: COL1A1 c.1583G>A (p.Arg528His) results in a non-conservative amino acid change in the encoded protein sequence. Five of five in-silico tools predict a damaging effect of the variant on protein function. The variant allele was found at a frequency of 0.0002 in 251350 control chromosomes, predominantly at a frequency of 0.00081 within the Latino subpopulation in the gnomAD database. The observed variant frequency within Latino control individuals in the gnomAD database is approximately 29-fold of the estimated maximal expected allele frequency for a pathogenic variant in COL1A1 causing Osteogenesis Imperfecta phenotype (2.8e-05), strongly suggesting that the variant is a benign polymorphism found primarily in populations of Latino origin. c.1583G>A has been reported in the literature in individuals affected with Osteogenesis Imperfecta and osteoporosis with other variants found in these individuals (Fernandez_2020, Rocha-Braz_2020). These reports do not provide unequivocal conclusions about association of the variant with Osteogenesis Imperfecta. Co-occurrence with another pathogenic variant has been reported (COL1A1 c.3421C>T, p.Arg1141Ter, Fernandez_2020), providing supporting evidence for a benign role. To our knowledge, no experimental evidence demonstrating an impact on protein function has been reported. The following publications have been ascertained in the context of this evaluation (PMID: 32123938, 33195954). Six submitters have cited clinical-significance assessments for this variant to ClinVar after 2014, and classified it as benign/likely benign (n=3) or uncertain significance (n=3). Based on the evidence outlined above, the variant was classified as likely benign.

Ambry Genetics
Classification: Likely benign for Cardiovascular phenotype. Last evaluated: 2019-12-04. Review status: criteria provided, single submitter. Criteria: Ambry Variant Classification Scheme 2023. Collection method: clinical testing. Allele origin: germline.

Mendelics
Classification: Uncertain significance for Osteogenesis imperfecta type I. Last evaluated: 2019-05-28. Review status: criteria provided, single submitter. Criteria: Mendelics Assertion Criteria 2017. Collection method: clinical testing. Allele origin: unknown.

ARUP Laboratories, Molecular Genetics and Genomics, ARUP Laboratories
Classification: Uncertain significance. Last evaluated: 2017-06-15. Review status: criteria provided, single submitter. Criteria: ARUP Molecular Germline Variant Investigation Process. Collection method: clinical testing. Allele origin: germline.
Comment: The p.Arg528His variant (rs144751329) has not been reported in the scientific literature, gene specific variant databases or previously identified in our laboratory. It is listed in the ClinVar database (Variation ID 35902). The p.Arg528His variant is also listed in the Genome Aggregation Consortium browser with an allele frequency of 0.12 percent (identified on 12 out of 9848 chromosomes) in Ashkenazi Jewish populations, and with overall allele frequency of 0.02 percent (identified on 48 out of 246,210 chromosomes). The arginine at position 528 is highly conserved (up to zebrafish, considering 11 species) (Alamut v2.9.0) and is located in the X position in the Gly-X-Y triple helix repeat region. Computational analyses of the effects of the p.Arg528His variant on protein structure and function predict a deleterious effect (SIFT: damaging, MutationTaster: disease causing, PolyPhen-2: possibly damaging). Glycine substitutions of COL1A1 and COL1A2 are associated with osteogenesis imperfecta (OMIM: 166200). Nonglycine substitutions, such as the arginine to histidine found in our patient, are rarely disease causing in the triple helical domain of collagen type I (Ben Amor 2011). An arginine to cysteine substitution at position 888 of the alpha 1 triple helical domain (identified on 8 out of 10,150 chromosomes in Ashkenazi Jewish population in gnomAD) was reported to lead to a phenotype that combined features of osteogenesis imperfecta and Ehlers-Danlos syndrome (Cabral 2007). Malfait et al (2007) reported several arginine substitutions in COL1A1, including p.Arg312Cys associated with classic Ehlers-Danlos syndrome (not listed in gnomAD), p.Arg1014Cys associated with Caffey disease with mild Ehlers-Danlos syndrome features (listed on 2 out of 245,632 chromosomes in gnomAD), and p.Arg574Cys (listed on 2 out of 246,196 chromosomes in gnomAD) and p.Arg1093Cys (listed on 9 out of 275,570 chromosomes in gnomAD) associated with osteopenia (Malfait 2007).

Baylor Genetics
Classification: Benign for Osteogenesis imperfecta type I. Review status: criteria provided, single submitter. Criteria: ACMG Guidelines, 2015. Collection method: clinical testing. Allele origin: unknown.

Literature cited by the submitters: PubMed 28991257 (cited by Mayo Clinic Laboratories, Mayo Clinic and Ambry Genetics); PubMed 32123938 (cited by Mayo Clinic Laboratories, Mayo Clinic and Women's Health and Genetics/Laboratory Corporation of America, LabCorp); PubMed 33195954 (cited by Mayo Clinic Laboratories, Mayo Clinic and Women's Health and Genetics/Laboratory Corporation of America, LabCorp).